The following is an entry in ClinVar:

ClinVar aggregate classification (germline): Likely pathogenic. Review status: criteria provided, multiple submitters, no conflicts (2 of 4 stars). 2 submissions from 2 submitters: Likely pathogenic (2). Last evaluated 2025-06-06.

Conditions:
Polycystic kidney disease 4 (PKD4). Also called: POLYCYSTIC KIDNEY AND HEPATIC DISEASE 1; POLYCYSTIC KIDNEY DISEASE, INFANTILE, TYPE I; PKD3; POLYCYSTIC KIDNEY DISEASE 4 WITH OR WITHOUT POLYCYSTIC LIVER DISEASE; Autosomal Recessive Polycystic Kidney Disease – PKHD1. Identifiers: MedGen C4540575, MONDO:0033004, OMIM 263200.
Autosomal recessive polycystic kidney disease (ARPKD). Also called: AR polycystic kidney disease. Identifiers: Orphanet 731, Orphanet 8378, MedGen C0085548, MeSH D017044, MONDO:0009889.

Allele frequency attached by ClinVar (database versions not stated): gnomAD exomes below 0.00001.
gnomAD v4.1: 1 of 1,614,022 alleles (0.000062%); highest among the groups gnomAD compares: Admixed American, 0.0017%; no homozygotes.

Submissions (2):

Natera, Inc.
Classification: Likely pathogenic for Autosomal recessive polycystic kidney disease. Last evaluated: 2025-06-06. Review status: criteria provided, single submitter. Criteria: Natera Variant Classification Schema (03/2026). Collection method: clinical testing. Allele origin: germline.
Comment: The c.9353G>A variant in PKHD1 is a nonsense variant predicted to introduce a stop codon at amino acid 3118. This variant is expected to result in nonsense mediated decay, truncation, or a dysfunctional protein product. This variant is rare in the general population with a frequency below the threshold expected for the associated phenotype(s). Given the available evidence, this variant is classified as Likely Pathogenic.

Baylor Genetics
Classification: Likely pathogenic for Polycystic kidney disease 4. Last evaluated: 2023-04-25. Review status: criteria provided, single submitter. Criteria: ACMG Guidelines, 2015. Collection method: clinical testing. Allele origin: unknown.

NM_138694.4(PKHD1):c.9353G>A (p.Trp3118Ter)

Gene: PKHD1 (PKHD1 ciliary IPT domain containing fibrocystin/polyductin; minus strand). Cytogenetic location: 6p12.3.
Variant type: single nucleotide variant.
Coding change: c.9353G>A on transcript NM_138694.4 (MANE Select); coding-DNA position 9353, G replaced by A.
Protein change: p.Trp3118Ter; replaces tryptophan 3118 with a stop codon.
Molecular consequence: nonsense.
Genome position (GRCh38, 1-based): chr6:51,748,263, C>T on the plus strand (G>A on the coding strand, the complement: PKHD1 is on the minus strand). VCF-style: chr6-51748263-C-T. GRCh37 (hg19) VCF-style: chr6-51613061-C-T.
Other names: c.9353G>A, p.Trp3118Ter (NM_170724.3); c.9353G>A (NM_138694.3); short protein forms W3118*.
Identifiers: ClinVar variation 2677816 (VCV002677816.2), dbSNP rs1467194438, ClinGen allele CA364421333.